The following is an entry in ClinVar:

ClinVar aggregate classification (germline): Pathogenic (1 of 4 stars; one submission).

Conditions:
Neurofibromatosis, type 1 (NF1). Also called: Neurofibromatosis, type I; VON RECKLINGHAUSEN DISEASE; NEUROFIBROMATOSIS, TYPE I, SOMATIC; Peripheral type neurofibromatosis. Identifiers: Orphanet 636, MedGen C0027831, MONDO:0018975, OMIM 162200. Disease mechanism: loss of function.

Submission:

Juno Genomics, Hangzhou Juno Genomics, Inc
Classification: Pathogenic for Neurofibromatosis, type 1. Review status: criteria provided, single submitter. Criteria: ACMG Guidelines, 2015. Collection method: clinical testing. Allele origin: germline. Affected: yes.
Comment: Absent from controls (or at extremely low frequency if recessive) in Genome Aggregation Database, Exome Sequencing Project, 1000 Genomes Project, or Exome Aggregation Consortium.;Null variant in a gene where loss of function (LOF) is a known mechanism of disease.;Assumed de novo, but without confirmation of paternity and maternity.;Patient's phenotype or family history is highly specific for a disease with a single genetic etiology.

NM_001042492.3(NF1):c.3376dup (p.Gln1126fs)

Gene: NF1 (neurofibromin 1; plus strand). Cytogenetic location: 17q11.2.
Variant type: Duplication.
Coding change: c.3376dup on transcript NM_001042492.3 (MANE Select); coding-DNA position 3376, one base duplicated (C; older notation c.3376dupC).
Protein change: p.Gln1126fs; shifts the reading frame from glutamine 1126.
Molecular consequence: frameshift variant.
Genome position (GRCh38, 1-based): chr17:31,232,761, C duplicated. VCF-style (leftmost placement, unchanged base first): chr17-31232760-G-GC. GRCh37 (hg19) VCF-style: chr17-29559778-G-GC.
Other names: c.3376dup, p.Gln1126Profs (NM_000267.4); short protein forms Q1126fs.
Identifiers: ClinVar variation 3382451 (VCV003382451.2).
Genomic context (GRCh38, chr17:31,232,760, plus strand): 5'-ATACTTCACATTATTTATGAACCTTTTGAATGACTGCAGTGAAGTTGAAGATGAAAGTGC[G>GC]CAAACAGGTGGCAGGAAACGTGGCATGTCTCGGAGGCTGGCATCACTGAGGCACTGTACG-3'